The following is an entry in ClinVar:

NM_004629.2(FANCG):c.693C>G (p.Ser231Arg)

Gene: FANCG (FA complementation group G; minus strand). Cytogenetic location: 9p13.3.
Variant type: single nucleotide variant.
Coding change: c.693C>G on transcript NM_004629.2 (MANE Select); coding-DNA position 693, C replaced by G.
Protein change: p.Ser231Arg; replaces serine 231 with arginine.
Molecular consequence: missense variant.
Genome position (GRCh38, 1-based): chr9:35,077,055, G>C on the plus strand (C>G on the coding strand, the complement: FANCG is on the minus strand). VCF-style: chr9-35077055-G-C. GRCh37 (hg19) VCF-style: chr9-35077052-G-C.
Other names: short protein forms S231R.
Identifiers: ClinVar variation 4254498 (VCV004254498.1).

ClinVar aggregate classification (germline): Uncertain significance (1 of 4 stars; one submission).

Conditions:
Inborn genetic diseases. Identifiers: MedGen C0950123, MeSH D030342.

Submission:

Ambry Genetics
Classification: Uncertain significance for Inborn genetic diseases. Last evaluated: 2025-09-02. Review status: criteria provided, single submitter. Criteria: Ambry Variant Classification Scheme 2023. Collection method: clinical testing. Allele origin: germline.
Comment: The p.S231R variant (also known as c.693C>G), located in coding exon 6 of the FANCG gene, results from a C to G substitution at nucleotide position 693. The serine at codon 231 is replaced by arginine, an amino acid with dissimilar properties. This amino acid position is conserved. In addition, this alteration is predicted to be tolerated by in silico analysis. Based on the available evidence, the clinical significance of this variant remains unclear.